The following is an entry in ClinVar:

ClinVar aggregate classification (germline): Uncertain significance (1 of 4 stars; one submission).

Conditions:
Peroxisome biogenesis disorder 2B (PBD2B). Identifiers: Orphanet 44, MedGen C3550234, MONDO:0008736, OMIM 202370.

Allele frequency attached by ClinVar (database versions not stated): TOPMed below 0.00001; gnomAD 0.00001.
gnomAD v4.1: 2 of 1,614,086 alleles (0.00012%); highest among the groups gnomAD compares: African/African-American, 0.0013%; no homozygotes.

Submission:

Labcorp Genetics (formerly Invitae), Labcorp
Classification: Uncertain significance for Peroxisome biogenesis disorder 2B. Last evaluated: 2023-08-10. Review status: criteria provided, single submitter. Criteria: Invitae Variant Classification Sherloc (09022015). Collection method: clinical testing. Allele origin: germline.
Comment: In summary, the available evidence is currently insufficient to determine the role of this variant in disease. Therefore, it has been classified as a Variant of Uncertain Significance. An algorithm developed to predict the effect of missense changes on protein structure and function (PolyPhen-2) suggests that this variant is likely to be disruptive. ClinVar contains an entry for this variant (Variation ID: 2083927). This variant has not been reported in the literature in individuals affected with PEX5-related conditions. This variant is not present in population databases (gnomAD no frequency). This sequence change replaces valine, which is neutral and non-polar, with alanine, which is neutral and non-polar, at codon 7 of the PEX5 protein (p.Val7Ala).

NM_001351132.2(PEX5):c.20T>C (p.Val7Ala)

Gene: PEX5 (peroxisomal biogenesis factor 5; plus strand). Cytogenetic location: 12p13.31.
Variant type: single nucleotide variant.
Coding change: c.20T>C on transcript NM_001351132.2 (MANE Select); coding-DNA position 20, T replaced by C.
Protein change: p.Val7Ala; replaces valine 7 with alanine.
Molecular consequence: missense variant.
Genome position (GRCh38, 1-based): chr12:7,190,397, T>C. VCF-style: chr12-7190397-T-C. GRCh37 (hg19) VCF-style: chr12-7342993-T-C.
Other names: c.20T>C, p.Val7Ala (NM_000319.5, NM_001131023.2, NM_001131024.2 and 22 more transcripts); short protein forms V7A.
Identifiers: ClinVar variation 2083927 (VCV002083927.4), dbSNP rs1195547649, ClinGen allele CA383707035.
Genomic context (GRCh38, chr12:7,190,397, plus strand): 5'-GTTCCAAACCTCCTGTGTCCATCAGAGAGCTGGCGGTCACCATGGCAATGCGGGAGCTGG[T>C]GGAGGCCGAATGCGGGGGTGCCAACCCGCTCATGAAGCTCGCCGGGCACTTCACCCAGGA-3'
Protein context (NP_001338061.1, residues 1-17): MAMREL[Val7Ala]EAECGGANPL